The following is an entry in ClinVar:

NM_007327.4(GRIN1):c.2699C>T (p.Thr900Met)

Gene: GRIN1 (glutamate ionotropic receptor NMDA type subunit 1; plus strand). Cytogenetic location: 9q34.3.
Variant type: single nucleotide variant.
Coding change: c.2699C>T on transcript NM_007327.4 (MANE Select); coding-DNA position 2699, C replaced by T.
Protein change: p.Thr900Met; replaces threonine 900 with methionine.
Molecular consequence: missense variant. On other transcripts: intron variant (3).
Genome position (GRCh38, 1-based): chr9:137,165,295, C>T. VCF-style: chr9-137165295-C-T. GRCh37 (hg19) VCF-style: chr9-140059747-C-T.
Other names: c.2762C>T, p.Thr921Met (NM_001185090.2); c.2652+1391C>T (NM_001185091.2); c.2589+1391C>T (NM_021569.4, NM_000832.7); short protein forms T921M, T900M.
Identifiers: ClinVar variation 2015269 (VCV002015269.4), dbSNP rs767651510, ClinGen allele CA5361208.

ClinVar aggregate classification (germline): Uncertain significance (1 of 4 stars; one submission).

Conditions:
Neurodevelopmental disorder with or without hyperkinetic movements and seizures, autosomal dominant. Also called: Intellectual disability, autosomal dominant 8. Identifiers: MedGen C3280282, MONDO:0013655, OMIM 614254.

Allele frequency attached by ClinVar (database versions not stated): TOPMed below 0.00001; ExAC 0.00001; gnomAD 0.00001; gnomAD exomes 0.00001.
gnomAD v4.1: 5 of 1,586,764 alleles (0.00032%); highest among the groups gnomAD compares: African/African-American, 0.0013%; no homozygotes.

Submission:

Labcorp Genetics (formerly Invitae), Labcorp
Classification: Uncertain significance for Neurodevelopmental disorder with or without hyperkinetic movements and seizures, autosomal dominant. Last evaluated: 2022-10-17. Review status: criteria provided, single submitter. Criteria: Invitae Variant Classification Sherloc (09022015). Collection method: clinical testing. Allele origin: germline.
Comment: Algorithms developed to predict the effect of missense changes on protein structure and function are either unavailable or do not agree on the potential impact of this missense change (SIFT: "Tolerated"; PolyPhen-2: "Probably Damaging"; Align-GVGD: "Class C0"). In summary, the available evidence is currently insufficient to determine the role of this variant in disease. Therefore, it has been classified as a Variant of Uncertain Significance. This variant has not been reported in the literature in individuals affected with GRIN1-related conditions. This variant is present in population databases (rs767651510, gnomAD 0.003%). This sequence change replaces threonine, which is neutral and polar, with methionine, which is neutral and non-polar, at codon 900 of the GRIN1 protein (p.Thr900Met).